The following is an entry in ClinVar:

ClinVar aggregate classification (germline): Likely benign (1 of 4 stars; one submission).

Allele frequency attached by ClinVar (database versions not stated): TOPMed below 0.00001; gnomAD 0.00001.
gnomAD v4.1: 1 of 1,614,106 alleles (0.000062%); highest among the groups gnomAD compares: Non-Finnish European, 0.000085%; no homozygotes.

Submission:

CeGaT Center for Human Genetics Tuebingen
Classification: Likely benign. Last evaluated: 2023-01-01. Review status: criteria provided, single submitter. Criteria: CeGaT Center For Human Genetics Tuebingen Variant Classification Criteria Version 2. Collection method: clinical testing. Allele origin: germline. Affected: yes. Observed: 1 variant allele.
Comment: SBF1: BP4, BP7

NM_002972.4(SBF1):c.2529C>T (p.Val843=)

Gene: SBF1 (SET binding factor 1; minus strand). Cytogenetic location: 22q13.33.
Variant type: single nucleotide variant.
Coding change: c.2529C>T on transcript NM_002972.4 (MANE Select); coding-DNA position 2529, C replaced by T.
Protein change: p.Val843=; no amino-acid change (valine 843 retained).
Molecular consequence: synonymous variant.
Genome position (GRCh38, 1-based): chr22:50,461,987, G>A on the plus strand (C>T on the coding strand, the complement: SBF1 is on the minus strand). VCF-style: chr22-50461987-G-A. GRCh37 (hg19) VCF-style: chr22-50900416-G-A.
Other names: c.2532C>T, p.Val844= (NM_001365819.1, NM_001410794.1); c.2529C>T, p.Val843= (NM_001410795.1, NM_197971.1).
Identifiers: ClinVar variation 2498914 (VCV002498914.28), dbSNP rs1294878135, ClinGen allele CA515383807.